The following is an entry in ClinVar:

NM_020964.3(EPG5):c.6014C>T (p.Thr2005Ile)

Gene: EPG5 (ectopic P-granules 5 autophagy tethering factor; minus strand). Cytogenetic location: 18q12.3.
Variant type: single nucleotide variant.
Coding change: c.6014C>T on transcript NM_020964.3 (MANE Select); coding-DNA position 6014, C replaced by T.
Protein change: p.Thr2005Ile; replaces threonine 2005 with isoleucine.
Molecular consequence: missense variant.
Genome position (GRCh38, 1-based): chr18:45,876,271, G>A on the plus strand (C>T on the coding strand, the complement: EPG5 is on the minus strand). VCF-style: chr18-45876271-G-A. GRCh37 (hg19) VCF-style: chr18-43456236-G-A.
Other names: short protein forms T2005I.
Identifiers: ClinVar variation 1440698 (VCV001440698.9), dbSNP rs772171146, ClinGen allele CA299708610.

ClinVar aggregate classification (germline): Uncertain significance (1 of 4 stars; one submission).

Conditions:
Vici syndrome (VICIS). Identifiers: Orphanet 1493, MedGen C1855772, MONDO:0009452, OMIM 242840.

gnomAD v4.1: 1 of 1,613,970 alleles (0.000062%); highest among the groups gnomAD compares: Non-Finnish European, 0.000085%; no homozygotes.

Submission:

Labcorp Genetics (formerly Invitae), Labcorp
Classification: Uncertain significance for Vici syndrome. Last evaluated: 2023-10-13. Review status: criteria provided, single submitter. Criteria: Invitae Variant Classification Sherloc (09022015). Collection method: clinical testing. Allele origin: germline.
Comment: This sequence change replaces threonine, which is neutral and polar, with isoleucine, which is neutral and non-polar, at codon 2005 of the EPG5 protein (p.Thr2005Ile). This variant is not present in population databases (gnomAD no frequency). This variant has not been reported in the literature in individuals affected with EPG5-related conditions. ClinVar contains an entry for this variant (Variation ID: 1440698). Advanced modeling of protein sequence and biophysical properties (such as structural, functional, and spatial information, amino acid conservation, physicochemical variation, residue mobility, and thermodynamic stability) performed at Invitae indicates that this missense variant is not expected to disrupt EPG5 protein function. In summary, the available evidence is currently insufficient to determine the role of this variant in disease. Therefore, it has been classified as a Variant of Uncertain Significance.